The following is an entry in ClinVar:

ClinVar aggregate classification (germline): Uncertain significance (1 of 4 stars; one submission).

Allele frequency attached by ClinVar (database versions not stated): TOPMed 0.00001.

Submission:

Labcorp Genetics (formerly Invitae), Labcorp
Classification: Uncertain significance. Last evaluated: 2022-03-13. Review status: criteria provided, single submitter. Criteria: Invitae Variant Classification Sherloc (09022015). Collection method: clinical testing. Allele origin: germline.
Comment: This sequence change replaces leucine, which is neutral and non-polar, with valine, which is neutral and non-polar, at codon 1881 of the GPR179 protein (p.Leu1881Val). This variant is not present in population databases (gnomAD no frequency). This variant has not been reported in the literature in individuals affected with GPR179-related conditions. Algorithms developed to predict the effect of missense changes on protein structure and function are either unavailable or do not agree on the potential impact of this missense change (SIFT: "Deleterious"; PolyPhen-2: "Benign"; Align-GVGD: "Class C0"). In summary, the available evidence is currently insufficient to determine the role of this variant in disease. Therefore, it has been classified as a Variant of Uncertain Significance.

NM_001004334.4(GPR179):c.5641T>G (p.Leu1881Val)

Gene: GPR179 (G protein-coupled receptor 179; minus strand). Cytogenetic location: 17q12.
Variant type: single nucleotide variant.
Coding change: c.5641T>G on transcript NM_001004334.4 (MANE Select); coding-DNA position 5641, T replaced by G.
Protein change: p.Leu1881Val; replaces leucine 1881 with valine.
Molecular consequence: missense variant.
Genome position (GRCh38, 1-based): chr17:38,327,928, A>C on the plus strand (T>G on the coding strand, the complement: GPR179 is on the minus strand). VCF-style: chr17-38327928-A-C. GRCh37 (hg19) VCF-style: chr17-36483811-A-C.
Other names: short protein forms L1881V.
Identifiers: ClinVar variation 2109159 (VCV002109159.1), dbSNP rs952259722, ClinGen allele CA290103427.